The following is an entry in ClinVar:

NM_002292.4(LAMB2):c.4573C>T (p.Gln1525Ter)

Gene: LAMB2 (laminin subunit beta 2; minus strand). Cytogenetic location: 3p21.31.
Variant type: single nucleotide variant.
Coding change: c.4573C>T on transcript NM_002292.4 (MANE Select); coding-DNA position 4573, C replaced by T.
Protein change: p.Gln1525Ter; replaces glutamine 1525 with a stop codon.
Molecular consequence: nonsense.
Genome position (GRCh38, 1-based): chr3:49,122,704, G>A on the plus strand (C>T on the coding strand, the complement: LAMB2 is on the minus strand). VCF-style: chr3-49122704-G-A. GRCh37 (hg19) VCF-style: chr3-49160137-G-A.
Other names: short protein forms Q1525*.
Identifiers: ClinVar variation 1344739 (VCV001344739.5), dbSNP rs376983109, ClinGen allele CA2393771.

ClinVar aggregate classification (germline): Pathogenic. Review status: criteria provided, multiple submitters, no conflicts (2 of 4 stars). 3 submissions from 3 submitters: Pathogenic (2). 1 of the submissions does not count toward it. Last evaluated 2024-01-23.

Conditions:
Pierson syndrome. Also called: MICROCORIA-CONGENITAL NEPHROTIC SYNDROME. Identifiers: Orphanet 2670, MedGen C1836876, MONDO:0012184, OMIM 609049.
LAMB2-related infantile-onset nephrotic syndrome. Also called: NEPHROTIC SYNDROME, TYPE 5, WITHOUT OCULAR ABNORMALITIES; NEPHROTIC SYNDROME, TYPE 5, WITH OCULAR ABNORMALITIES; Nephrotic Syndrome, type 5. Identifiers: Orphanet 306507, MedGen C3280113, MONDO:0013621, OMIM 614199.
Nephrotic syndrome. Identifiers: MedGen C0027726, MONDO:0005377, HP:0000100.

Allele frequency attached by ClinVar (database versions not stated): ExAC 0.00001; gnomAD 0.00001; gnomAD exomes 0.00001; TOPMed 0.00001; ESP Exome Variant Server 0.00008.
gnomAD v4.1: 11 of 1,612,892 alleles (0.00068%); highest among the groups gnomAD compares: East Asian, 0.0089%; no homozygotes.

Submissions (3):

Fulgent Genetics
Classification: Pathogenic for Pierson syndrome; LAMB2-related infantile-onset nephrotic syndrome. Last evaluated: 2024-01-23. Review status: criteria provided, single submitter. Criteria: ACMG Guidelines, 2015. Collection method: clinical testing. Allele origin: germline.

Labcorp Genetics (formerly Invitae), Labcorp
Classification: Pathogenic for LAMB2-related infantile-onset nephrotic syndrome; Pierson syndrome. Last evaluated: 2022-11-23. Review status: criteria provided, single submitter. Criteria: Invitae Variant Classification Sherloc (09022015). Collection method: clinical testing. Allele origin: germline.
Comment: For these reasons, this variant has been classified as Pathogenic. ClinVar contains an entry for this variant (Variation ID: 1344739). This premature translational stop signal has been observed in individual(s) with congenital nephrotic syndrome (PMID: 29127259). This variant is present in population databases (rs376983109, gnomAD 0.002%). This sequence change creates a premature translational stop signal (p.Gln1525*) in the LAMB2 gene. It is expected to result in an absent or disrupted protein product. Loss-of-function variants in LAMB2 are known to be pathogenic (PMID: 15367484).

Yale Center for Mendelian Genomics, Yale University
Classification: Likely pathogenic for Nephrotic syndrome. Last evaluated: 2017-11-10. Review status: no assertion criteria provided. Collection method: literature only. Allele origin: germline. Affected: yes. Observed: 1 homozygote. Study: Yale Center for Mendelian Genomics. Not counted in ClinVar's aggregate classification.

Literature cited by the submitters: PubMed 29127259 (cited by Labcorp Genetics (formerly Invitae), Labcorp and Yale Center for Mendelian Genomics, Yale University); PubMed 15367484 (cited by Labcorp Genetics (formerly Invitae), Labcorp).